The following is an entry in ClinVar:

NM_182961.4(SYNE1):c.12529-153dup

Gene: SYNE1 (spectrin repeat containing nuclear envelope protein 1; minus strand). Cytogenetic location: 6q25.2.
Variant type: Duplication.
Coding change: c.12529-153dup on transcript NM_182961.4 (MANE Select); 153 bases into the intron before coding-DNA position 12529, one base duplicated (T; older notation c.12529-153dupT).
Molecular consequence: intron variant.
Genome position (GRCh38, 1-based): chr6:152,334,426, A duplicated on the plus strand (T on the coding strand, the reverse complement: SYNE1 is on the minus strand); the first of 4 consecutive A bases (chr6:152,334,426-152,334,429); duplicating any one gives the same sequence. VCF-style (leftmost placement, unchanged base first): chr6-152334425-G-GA. GRCh37 (hg19) VCF-style: chr6-152655560-G-GA.
Other names: c.12316-153dup (NM_033071.5).
Identifiers: ClinVar variation 670179 (VCV000670179.1), dbSNP rs3215014, ClinGen allele CA150182096.

ClinVar aggregate classification (germline): Benign (1 of 4 stars; one submission).

Submission:

GeneDx
Classification: Benign. Last evaluated: 2018-06-14. Review status: criteria provided, single submitter. Criteria: GeneDx Variant Classification (06012015). Collection method: clinical testing. Allele origin: germline. Affected: yes.
Comment: This variant is considered likely benign or benign based on one or more of the following criteria: it is a conservative change, it occurs at a poorly conserved position in the protein, it is predicted to be benign by multiple in silico algorithms, and/or has population frequency not consistent with disease.